The following is an entry in ClinVar:

ClinVar aggregate classification (germline): Conflicting classifications of pathogenicity. Review status: criteria provided, conflicting classifications (1 of 4 stars). 2 submissions from 2 submitters: Uncertain significance (1); Likely benign (1). Last evaluated 2020-10-07.

Conditions:
Hereditary breast ovarian cancer syndrome. Also called: BRCA1- and BRCA2-Associated Hereditary Breast and Ovarian Cancer; Hereditary breast and ovarian cancer syndrome (HBOC); Hereditary breast and ovarian cancer syndrome; Breast and ovarian cancer; Hereditary breast and ovarian cancer; Hereditary breast and/or ovarian cancer syndrome. Identifiers: Orphanet 145, MedGen C0677776, MeSH D061325, MONDO:0003582. Disease mechanism: loss of function.
Breast-ovarian cancer, familial, susceptibility to, 1 (BROVCA1). Also called: OVARIAN CANCER, SUSCEPTIBILITY TO; BRCA1 Hereditary Breast and Ovarian Cancer. Identifiers: Orphanet 145, MedGen C2676676, MONDO:0011450, OMIM 604370. Disease mechanism: loss of function.

Submissions (3):

Labcorp Genetics (formerly Invitae), Labcorp
Classification: Likely benign for Hereditary breast ovarian cancer syndrome. Last evaluated: 2020-10-07. Review status: criteria provided, single submitter. Criteria: Invitae Variant Classification Sherloc (09022015). Collection method: clinical testing. Allele origin: germline.

Mendelics
Classification: Uncertain significance for Breast-ovarian cancer, familial, susceptibility to, 1. Last evaluated: 2019-05-28. Review status: criteria provided, single submitter. Criteria: Mendelics Assertion Criteria 2017. Collection method: clinical testing. Allele origin: unknown.

Brotman Baty Institute, University of Washington
No classification provided (evidence only). Condition: Breast-ovarian cancer, familial 1. Review status: no classification provided. Collection method: in vitro. Allele origin: not applicable. Functional consequence: functionally_normal. Not counted in ClinVar's aggregate classification.
ClinVar note: "not provided" was previously submitted as the classification for the variant. However, the classification appeared to be based only on an observation of functional data so it was converted to no classification on 2025-07-30.

NM_007294.4(BRCA1):c.5277+7C>T

Gene: BRCA1 (BRCA1 DNA repair associated; minus strand). Cytogenetic location: 17q21.31.
Variant type: single nucleotide variant.
Coding change: c.5277+7C>T on transcript NM_007294.4 (MANE Select); 7 bases into the intron after coding-DNA position 5277, C replaced by T.
Molecular consequence: intron variant.
Genome position (GRCh38, 1-based): chr17:43,057,045, G>A on the plus strand (C>T on the coding strand, the complement: BRCA1 is on the minus strand). VCF-style: chr17-43057045-G-A. GRCh37 (hg19) VCF-style: chr17-41209062-G-A.
Other names: c.1701+7C>T (NM_001408502.1, NM_001408504.1, NM_001408503.1); c.4941+7C>T (NM_001407951.1, NM_001407954.1, NM_001407952.1 and 3 more transcripts); c.4944+7C>T (NM_001407946.1, NM_001407948.1, NM_001407947.1 and 1 more transcripts); c.1755+7C>T (NM_001408489.1, NM_001408482.1, NM_001408484.1 and 5 more transcripts); c.1758+7C>T (NM_001408479.1, NM_001408478.1, NM_001408480.1); c.5064+7C>T (NM_001407910.1, NM_001407904.1, NM_001407896.1 and 12 more transcripts); c.5067+7C>T (NM_001407884.1, NM_001407879.1, NM_001407882.1 and 5 more transcripts); c.5265+7C>T (NM_001407646.1); and 72 more.
Identifiers: ClinVar variation 803405 (VCV000803405.13), dbSNP rs1597810359, ClinGen allele CA915950050.